The following is an entry in ClinVar:

ClinVar aggregate classification (germline): Uncertain significance (1 of 4 stars; one submission).

gnomAD v4.1: 1 of 1,613,942 alleles (0.000062%); highest among the groups gnomAD compares: Non-Finnish European, 0.000085%; no homozygotes.

Submission:

Ambry Genetics
Classification: Uncertain significance. Last evaluated: 2026-07-19. Review status: criteria provided, single submitter. Criteria: Ambry Variant Classification Scheme 2023. Collection method: clinical testing. Allele origin: germline.
Comment: The p.K197R variant (also known as c.590A>G), located in coding exon 5 of the SRP72 gene, results from an A to G substitution at nucleotide position 590. The lysine at codon 197 is replaced by arginine, an amino acid with highly similar properties. This amino acid position is conserved. In addition, the in silico prediction for this alteration is inconclusive. Based on the available evidence, the clinical significance of this variant remains unclear.

NM_006947.4(SRP72):c.590A>G (p.Lys197Arg)

Gene: SRP72 (signal recognition particle 72; plus strand). Cytogenetic location: 4q12.
Variant type: single nucleotide variant.
Coding change: c.590A>G on transcript NM_006947.4 (MANE Select); coding-DNA position 590, A replaced by G.
Protein change: p.Lys197Arg; replaces lysine 197 with arginine.
Molecular consequence: missense variant. On other transcripts: non-coding transcript variant (1).
Genome position (GRCh38, 1-based): chr4:56,474,371, A>G. VCF-style: chr4-56474371-A-G. GRCh37 (hg19) VCF-style: chr4-57340537-A-G.
Other names: c.590A>G, p.Lys197Arg (NM_001267722.2); short protein forms K197R.
Identifiers: ClinVar variation 5030238 (VCV005030238.1).